The following is an entry in ClinVar:

NM_006648.4(WNK2):c.6242G>A (p.Gly2081Asp)

Gene: WNK2 (WNK lysine deficient protein kinase 2; plus strand). Cytogenetic location: 9q22.31.
Variant type: single nucleotide variant.
Coding change: c.6242G>A on transcript NM_006648.4 (MANE Select); coding-DNA position 6242, G replaced by A.
Protein change: p.Gly2081Asp; replaces glycine 2081 with aspartic acid.
Molecular consequence: missense variant.
Genome position (GRCh38, 1-based): chr9:93,306,804, G>A. VCF-style: chr9-93306804-G-A. GRCh37 (hg19) VCF-style: chr9-96069086-G-A.
Other names: c.6353G>A, p.Gly2118Asp (NM_001282394.3); short protein forms G2081D, G2118D.
Identifiers: ClinVar variation 4842084 (VCV004842084.1).

ClinVar aggregate classification (germline): Uncertain significance (1 of 4 stars; one submission).

Submission:

Ambry Genetics
Classification: Uncertain significance. Last evaluated: 2025-12-18. Review status: criteria provided, single submitter. Criteria: Ambry Variant Classification Scheme 2023. Collection method: clinical testing. Allele origin: germline.
Comment: The p.G2081D variant (also known as c.6242G>A), located in coding exon 26 of the WNK2 gene, results from a G to A substitution at nucleotide position 6242. The glycine at codon 2081 is replaced by aspartic acid, an amino acid with similar properties. This amino acid position is conserved. In addition, this alteration is predicted to be deleterious by in silico analysis. Based on the available evidence, the clinical significance of this variant remains unclear.